The following is an entry in ClinVar:

NM_133433.4(NIPBL):c.1991del (p.Asn664fs)

Gene: NIPBL (NIPBL cohesin loading factor; plus strand). Cytogenetic location: 5p13.2.
Variant type: Deletion.
Coding change: c.1991del on transcript NM_133433.4 (MANE Select); coding-DNA position 1991, one base deleted (A; older notation c.1991delA).
Protein change: p.Asn664fs; shifts the reading frame from asparagine 664.
Molecular consequence: frameshift variant.
Genome position (GRCh38, 1-based): chr5:36,985,171, A deleted; the last of 4 consecutive A bases (chr5:36,985,168-36,985,171); deleting any one gives the same sequence. VCF-style (leftmost placement, unchanged base first): chr5-36985167-CA-C. GRCh37 (hg19) VCF-style: chr5-36985269-CA-C.
Other names: c.1991del, p.Asn664fs (NM_001438586.1, NM_015384.5); short protein forms N664fs.
Identifiers: ClinVar variation 4719948 (VCV004719948.1).
Genomic context (GRCh38, chr5:36,985,167, plus strand): 5'-AAAGTTGAGACCCAAACAGAAGAACTTAAACAGAATGAGAGCAGAACAACTGAATGCAAA[CA>C]AAACGAGAGCACCATAGTTGAGCCTAAACAAAATGAAAATAGACTGTCTGACACAAAACC-3'

ClinVar aggregate classification (germline): Pathogenic (1 of 4 stars; one submission).

Conditions:
Cornelia de Lange syndrome 1 (CDLS1). Also called: Brachmann de Lange syndrome; NIPBL-Related Cornelia de Lange Syndrome; TYPUS DEGENERATIVUS AMSTELODAMENSIS. Identifiers: Orphanet 199, MedGen C4551851, MONDO:0007387, OMIM 122470.

Submission:

Labcorp Genetics (formerly Invitae), Labcorp
Classification: Pathogenic for Cornelia de Lange syndrome 1. Last evaluated: 2025-05-21. Review status: criteria provided, single submitter. Criteria: Invitae Variant Classification Sherloc (09022015). Collection method: clinical testing. Allele origin: germline.
Comment: This sequence change creates a premature translational stop signal (p.Asn664Thrfs*5) in the NIPBL gene. It is expected to result in an absent or disrupted protein product. Loss-of-function variants in NIPBL are known to be pathogenic (PMID: 15318302, 19763162, 23505322, 29995837). This variant is not present in population databases (gnomAD no frequency). This variant has not been reported in the literature in individuals affected with NIPBL-related conditions. For these reasons, this variant has been classified as Pathogenic.

Literature cited by the submitters: PubMed 15318302; PubMed 19763162; PubMed 23505322; PubMed 29995837.